The following is an entry in ClinVar:

ClinVar aggregate classification (germline): Benign (0 of 4 stars; one submission).

Conditions:
PRRC2A-related disorder. Also called: PRRC2A-related condition.

Allele frequency attached by ClinVar (database versions not stated): 1000 Genomes Project 0.00419; ESP Exome Variant Server 0.00486; 1000 Genomes Project 30x 0.00500; TOPMed 0.00660.
gnomAD v4.1: 3,254 of 1,606,032 alleles (0.2%); highest among the groups gnomAD compares: African/African-American, 1.4%; 21 homozygotes.

Submission:

PreventionGenetics, part of Exact Sciences
Classification: Benign for PRRC2A-related condition. Last evaluated: 2019-03-22. Review status: no assertion criteria provided. Collection method: clinical testing. Allele origin: germline.
Comment: This variant is classified as benign based on ACMG/AMP sequence variant interpretation guidelines (Richards et al. 2015 PMID: 25741868, with internal and published modifications).

NM_004638.4(PRRC2A):c.2712C>A (p.Arg904=)

Gene: PRRC2A (proline rich coiled-coil 2A; plus strand). Cytogenetic location: 6p21.33.
Variant type: single nucleotide variant.
Coding change: c.2712C>A on transcript NM_004638.4 (MANE Select); coding-DNA position 2712, C replaced by A.
Protein change: p.Arg904=; no amino-acid change (arginine 904 retained).
Molecular consequence: synonymous variant.
Genome position (GRCh38, 1-based): chr6:31,631,385, C>A. VCF-style: chr6-31631385-C-A. GRCh37 (hg19) VCF-style: chr6-31599162-C-A.
Other names: c.2712C>A, p.Arg904= (NM_080686.3).
Identifiers: ClinVar variation 3044248 (VCV003044248.2), dbSNP rs116345584, ClinGen allele CA3715736.